The following is an entry in ClinVar:

NM_001127222.2(CACNA1A):c.5071C>G (p.Leu1691Val)

Gene: CACNA1A (calcium voltage-gated channel subunit alpha1 A; minus strand). Cytogenetic location: 19p13.13.
Variant type: single nucleotide variant.
Coding change: c.5071C>G on transcript NM_001127222.2 (MANE Select); coding-DNA position 5071, C replaced by G.
Protein change: p.Leu1691Val; replaces leucine 1691 with valine.
Molecular consequence: missense variant.
Genome position (GRCh38, 1-based): chr19:13,235,271, G>C on the plus strand (C>G on the coding strand, the complement: CACNA1A is on the minus strand). VCF-style: chr19-13235271-G-C. GRCh37 (hg19) VCF-style: chr19-13346085-G-C.
Other names: c.5089C>G, p.Leu1697Val (NM_000068.4, NM_023035.3); c.5074C>G, p.Leu1692Val (NM_001127221.2); c.5080C>G, p.Leu1694Val (NM_001174080.2); short protein forms L1691V, L1692V, L1694V, L1697V.
Identifiers: ClinVar variation 3754153 (VCV003754153.2).

ClinVar aggregate classification (germline): Uncertain significance (1 of 4 stars; one submission).

Conditions:
Episodic ataxia type 2 (EA2). Also called: ATAXIA, EPISODIC, WITH NYSTAGMUS; ATAXIA, FAMILIAL PAROXYSMAL; ACETAZOLAMIDE-RESPONSIVE HEREDITARY PAROXYSMAL CEREBELLAR ATAXIA; CEREBELLAR ATAXIA, PAROXYSMAL, ACETAZOLAMIDE-RESPONSIVE; CEREBELLOPATHY, HEREDITARY PAROXYSMAL; EPISODIC ATAXIA, NYSTAGMUS-ASSOCIATED. Identifiers: Orphanet 97, MedGen C1720416, MONDO:0007163, OMIM 108500.
Developmental and epileptic encephalopathy, 42 (DEE42A). Also called: Epileptic encephalopathy, early infantile, 42; DEVELOPMENTAL AND EPILEPTIC ENCEPHALOPATHY 42A; EPILEPTIC ENCEPHALOPATHY, EARLY INFANTILE, 42A. Identifiers: MedGen C4310716, MONDO:0014917, OMIM 617106.

Submission:

Labcorp Genetics (formerly Invitae), Labcorp
Classification: Uncertain significance for Developmental and epileptic encephalopathy, 42; Episodic ataxia type 2. Last evaluated: 2024-07-29. Review status: criteria provided, single submitter. Criteria: Invitae Variant Classification Sherloc (09022015). Collection method: clinical testing. Allele origin: germline.
Comment: This sequence change replaces leucine, which is neutral and non-polar, with valine, which is neutral and non-polar, at codon 1692 of the CACNA1A protein (p.Leu1692Val). This variant is not present in population databases (gnomAD no frequency). This missense change has been observed in individual(s) with clinical features of CACNA1A-related conditions (Invitae). Advanced modeling of protein sequence and biophysical properties (such as structural, functional, and spatial information, amino acid conservation, physicochemical variation, residue mobility, and thermodynamic stability) has been performed at Invitae for this missense variant, however the output from this modeling did not meet the statistical confidence thresholds required to predict the impact of this variant on CACNA1A protein function. This variant disrupts the p.Leu1692 amino acid residue in CACNA1A. Other variant(s) that disrupt this residue have been determined to be pathogenic (PMID: 32692472). This suggests that this residue is clinically significant, and that variants that disrupt this residue are likely to be disease-causing. In summary, the available evidence is currently insufficient to determine the role of this variant in disease. Therefore, it has been classified as a Variant of Uncertain Significance.

Literature cited by the submitters: PubMed 32692472.